The following is an entry in ClinVar:

NM_000051.4(ATM):c.1998G>C (p.Val666=)

Gene: ATM (ATM serine/threonine kinase; plus strand). Cytogenetic location: 11q22.3.
Variant type: single nucleotide variant.
Coding change: c.1998G>C on transcript NM_000051.4 (MANE Select); coding-DNA position 1998, G replaced by C.
Protein change: p.Val666=; no amino-acid change (valine 666 retained).
Molecular consequence: synonymous variant.
Genome position (GRCh38, 1-based): chr11:108,253,913, G>C. VCF-style: chr11-108253913-G-C. GRCh37 (hg19) VCF-style: chr11-108124640-G-C.
Other names: c.1998G>C, p.Val666= (NM_001351834.2).
Identifiers: ClinVar variation 233565 (VCV000233565.14), dbSNP rs748380150, ClinGen allele CA10579035.

ClinVar aggregate classification (germline): Benign/Likely benign. Review status: criteria provided, multiple submitters, no conflicts (2 of 4 stars). 3 submissions from 3 submitters: Benign (1); Likely benign (2). Last evaluated 2025-05-13.

Conditions:
Hereditary cancer-predisposing syndrome. Also called: Tumor predisposition; Hereditary Cancer Syndrome; Hereditary neoplastic syndrome; Neoplastic Syndromes, Hereditary. Identifiers: Orphanet 140162, MedGen C0027672, MeSH D009386, MONDO:0015356.
Familial cancer of breast. Also called: hereditary breast carcinoma; BREAST CANCER, FAMILIAL; Hereditary breast cancer. Identifiers: Orphanet 227535, MedGen C0346153, MONDO:0016419, OMIM 114480. Disease mechanism: loss of function.
Ataxia-telangiectasia syndrome (AT). Also called: Ataxia telangiectasia (A-T); LOUIS-BAR SYNDROME; Cerebello-oculocutaneous telangiectasia; Immunodeficiency with ataxia telangiectasia; ATAXIA-TELANGIECTASIA, COMPLEMENTATION GROUP A; ATAXIA-TELANGIECTASIA, FRESNO VARIANT. Identifiers: Orphanet 100, MedGen C0004135, MONDO:0008840, OMIM 208900.

Submissions (3):

Labcorp Genetics (formerly Invitae), Labcorp
Classification: Likely benign for Ataxia-telangiectasia syndrome. Last evaluated: 2025-05-13. Review status: criteria provided, single submitter. Criteria: Invitae Variant Classification Sherloc (09022015). Collection method: clinical testing. Allele origin: germline.

Myriad Genetics, Inc.
Classification: Benign for Familial cancer of breast. Last evaluated: 2024-05-02. Review status: criteria provided, single submitter. Criteria: Myriad Autosomal Dominant, Autosomal Recessive and X-Linked Classification Criteria (2023). Collection method: clinical testing. Allele origin: unknown.
Comment: This variant is considered benign. This variant is a silent/synonymous amino acid change and it is not expected to impact splicing.

Ambry Genetics
Classification: Likely benign for Hereditary cancer-predisposing syndrome. Last evaluated: 2015-08-24. Review status: criteria provided, single submitter. Criteria: Ambry Variant Classification Scheme 2023. Collection method: clinical testing. Allele origin: germline.